The following is an entry in ClinVar:

ClinVar aggregate classification (germline): Uncertain significance (1 of 4 stars; one submission).

Conditions:
Hereditary cancer-predisposing syndrome. Also called: Neoplastic Syndromes, Hereditary; Tumor predisposition; Hereditary neoplastic syndrome; Hereditary Cancer Syndrome. Identifiers: Orphanet 140162, MedGen C0027672, MeSH D009386, MONDO:0015356.

Submission:

Ambry Genetics
Classification: Uncertain significance for Hereditary cancer-predisposing syndrome. Last evaluated: 2026-07-07. Review status: criteria provided, single submitter. Criteria: Ambry Variant Classification Scheme 2023. Collection method: clinical testing. Allele origin: germline.
Comment: The p.L1113V variant (also known as c.3337C>G), located in coding exon 21 of the TSC1 gene, results from a C to G substitution at nucleotide position 3337. The leucine at codon 1113 is replaced by valine, an amino acid with highly similar properties. This amino acid position is conserved. In addition, this alteration is predicted to be tolerated by in silico analysis. Based on the available evidence, the clinical significance of this variant remains unclear.

NM_000368.5(TSC1):c.3337C>G (p.Leu1113Val)

Gene: TSC1 (TSC complex subunit 1; minus strand). Cytogenetic location: 9q34.13.
Variant type: single nucleotide variant.
Coding change: c.3337C>G on transcript NM_000368.5 (MANE Select); coding-DNA position 3337, C replaced by G.
Protein change: p.Leu1113Val; replaces leucine 1113 with valine.
Molecular consequence: missense variant. On other transcripts: non-coding transcript variant (5).
Genome position (GRCh38, 1-based): chr9:132,896,393, G>C on the plus strand (C>G on the coding strand, the complement: TSC1 is on the minus strand). VCF-style: chr9-132896393-G-C. GRCh37 (hg19) VCF-style: chr9-135771780-G-C.
Other names: c.2971C>G, p.Leu991Val (NM_001406623.1, NM_001406620.1, NM_001406621.1 and 1 more transcripts); c.2932C>G, p.Leu978Val (NM_001406624.1); c.2929C>G, p.Leu977Val (NM_001406625.1); c.2386C>G, p.Leu796Val (NM_001406626.1); c.2383C>G, p.Leu795Val (NM_001406627.1, NM_001406628.1); c.2284C>G, p.Leu762Val (NM_001406629.1, NM_001406630.1); c.3334C>G, p.Leu1112Val (NM_001162426.2, NM_001406597.1, NM_001406598.1 and 2 more transcripts); c.3184C>G, p.Leu1062Val (NM_001162427.2, NM_001406610.1); and 8 more; short protein forms L1047V, L1107V, L795V, L992V, L1061V, L1108V, L1113V, L991V.
Identifiers: ClinVar variation 5031230 (VCV005031230.1).